The following is an entry in ClinVar:

ClinVar aggregate classification (germline): Uncertain significance. Review status: criteria provided, single submitter (1 of 4 stars). 2 submissions from 2 submitters: Uncertain significance (1). 1 of the submissions does not count toward it. Last evaluated 2022-08-21.

Conditions:
Maple syrup urine disease type 1A (MSUD1A). Also called: MSUD type 1A. Identifiers: MedGen C1855369, MONDO:0023691, OMIM 248600.
Maple syrup urine disease (MSUD). Identifiers: Orphanet 511, MedGen C0024776, MeSH D008375, MONDO:0009563. Disease mechanism: loss of function.

Submissions (2):

Labcorp Genetics (formerly Invitae), Labcorp
Classification: Uncertain significance for Maple syrup urine disease. Last evaluated: 2022-08-21. Review status: criteria provided, single submitter. Criteria: Invitae Variant Classification Sherloc (09022015). Collection method: clinical testing. Allele origin: germline.
Comment: This variant, c.111_122del, results in the deletion of 4 amino acid(s) of the BCKDHA protein (p.His37_Arg40del), but otherwise preserves the integrity of the reading frame. This variant is present in population databases (rs751877248, gnomAD 0.009%). This variant has not been reported in the literature in individuals affected with BCKDHA-related conditions. ClinVar contains an entry for this variant (Variation ID: 550872). Experimental studies and prediction algorithms are not available or were not evaluated, and the functional significance of this variant is currently unknown. Algorithms developed to predict the effect of sequence changes on RNA splicing suggest that this variant may disrupt the consensus splice site. In summary, the available evidence is currently insufficient to determine the role of this variant in disease. Therefore, it has been classified as a Variant of Uncertain Significance.

Counsyl
Classification: Uncertain significance for Maple syrup urine disease type 1A. Last evaluated: 2017-03-13. Review status: no assertion criteria provided. Collection method: clinical testing. Allele origin: unknown. Not counted in ClinVar's aggregate classification.

NM_000709.3(BCKDHA):c.111_122del12

Gene: BCKDHA (branched chain keto acid dehydrogenase E1 subunit alpha; plus strand). Cytogenetic location: 19q13.2.
Variant type: Deletion.
Coding change: c.111_122del12 on transcript NM_000709.3; coding-DNA positions 111 to 122, 12 bases deleted (CCCCCCCAGGCA).
Genome position (GRCh38, 1-based): chr19:41,410,639-41,410,650, CCCCCCCAGGCA deleted; deleting any 12 consecutive bases within chr19:41,410,636-41,410,650 gives the same sequence; the c. name uses the placement nearest the transcript's 3' end. VCF-style (leftmost placement, unchanged base first): chr19-41410635-AGCACCCCCCCAG-A. GRCh37 (hg19) VCF-style: chr19-41916540-AGCACCCCCCCAG-A.
Identifiers: ClinVar variation 550872 (VCV000550872.6), dbSNP rs751877248, ClinGen allele CA9460998.